The following is an entry in ClinVar:

ClinVar aggregate classification (germline): Uncertain significance (1 of 4 stars; one submission).

Conditions:
Brugada syndrome. Also called: Sudden Unexplained Death Syndrome; Sudden Unexplained Nocturnal Death Syndrome (SUNDS); Sudden unexpected nocturnal death syndrome; Sudden unexplained nocturnal death syndrome. Identifiers: Orphanet 130, MedGen C1142166, MONDO:0015263.

Submission:

Labcorp Genetics (formerly Invitae), Labcorp
Classification: Uncertain significance for Brugada syndrome. Last evaluated: 2019-01-30. Review status: criteria provided, single submitter. Criteria: Invitae Variant Classification Sherloc (09022015). Collection method: clinical testing. Allele origin: germline.
Comment: This sequence change affects a donor splice site in intron 1 of the CACNA2D1 gene. It is expected to disrupt RNA splicing and likely results in an absent or disrupted protein product. In summary, this variant has uncertain impact on CACNA2D1 function. The available evidence is currently insufficient to determine its role in disease. Therefore, it has been classified as a Variant of Uncertain Significance. The current clinical and genetic evidence is not sufficient to establish whether loss-of-function variants in CACNA2D1 cause disease. Algorithms developed to predict the effect of sequence changes on RNA splicing suggest that this variant may disrupt the consensus splice site, but this prediction has not been confirmed by published transcriptional studies. This variant has not been reported in the literature in individuals with a CACNA2D1-related disease. This variant is not present in population databases (ExAC no frequency).

NM_000722.4(CACNA2D1):c.95+1G>A

Gene: CACNA2D1 (calcium voltage-gated channel auxiliary subunit alpha2delta 1; minus strand). Cytogenetic location: 7q21.11.
Variant type: single nucleotide variant.
Coding change: c.95+1G>A on transcript NM_000722.4 (MANE Select); the canonical splice donor site of the intron after coding-DNA position 95, G replaced by A.
Molecular consequence: splice donor variant.
Genome position (GRCh38, 1-based): chr7:82,443,364, C>T on the plus strand (G>A on the coding strand, the complement: CACNA2D1 is on the minus strand). VCF-style: chr7-82443364-C-T. GRCh37 (hg19) VCF-style: chr7-82072680-C-T.
Other names: c.95+1G>A (NM_001366867.1, NM_001302890.2).
Identifiers: ClinVar variation 463229 (VCV000463229.9), dbSNP rs1554560384, ClinGen allele CA368017526.